The following is an entry in ClinVar:

ClinVar aggregate classification (germline): Conflicting classifications of pathogenicity. Review status: criteria provided, conflicting classifications (1 of 4 stars). 13 submissions from 13 submitters: Uncertain significance (8); Likely benign (2). 3 of the submissions do not count toward it. Last evaluated 2026-01-06.

Conditions:
Familial cancer of breast. Also called: Hereditary breast cancer; hereditary breast carcinoma; BREAST CANCER, FAMILIAL. Identifiers: Orphanet 227535, MedGen C0346153, MONDO:0016419, OMIM 114480. Disease mechanism: loss of function.
Breast-ovarian cancer, familial, susceptibility to, 1 (BROVCA1). Also called: OVARIAN CANCER, SUSCEPTIBILITY TO; BRCA1 Hereditary Breast and Ovarian Cancer. Identifiers: Orphanet 145, MedGen C2676676, MONDO:0011450, OMIM 604370. Disease mechanism: loss of function.
Pancreatic cancer, susceptibility to, 4. Identifiers: Orphanet 1333, MedGen C3280442, MONDO:0013685, OMIM 614320.
Fanconi anemia, complementation group S (FANCS). Identifiers: MedGen C4554406, MONDO:0054748, OMIM 617883.
Hereditary cancer-predisposing syndrome. Also called: Tumor predisposition; Neoplastic Syndromes, Hereditary; Hereditary Cancer Syndrome; Hereditary neoplastic syndrome. Identifiers: Orphanet 140162, MedGen C0027672, MeSH D009386, MONDO:0015356.
Breast neoplasm. Also called: Neoplasm of breast; Breast tumor; Neoplasm of the breast; Breast Neoplasms. Identifiers: MedGen C1458155, MeSH D001943, MONDO:0021100, HP:0100013. Disease mechanism: gain of function.
Hereditary breast ovarian cancer syndrome. Also called: Hereditary breast and ovarian cancer syndrome (HBOC); Hereditary breast and ovarian cancer syndrome; Hereditary breast and ovarian cancer; Hereditary breast and/or ovarian cancer syndrome; Breast and ovarian cancer; BRCA1- and BRCA2-Associated Hereditary Breast and Ovarian Cancer. Identifiers: Orphanet 145, MedGen C0677776, MeSH D061325, MONDO:0003582. Disease mechanism: loss of function.

Allele frequency attached by ClinVar (database versions not stated): gnomAD exomes below 0.00001 and 0.00001; ExAC 0.00001; gnomAD 0.00001; TOPMed 0.00001; ESP Exome Variant Server 0.00008.
gnomAD v4.1: 10 of 1,613,934 alleles (0.00062%); highest among the groups gnomAD compares: South Asian, 0.0011%; no homozygotes.

Submissions (13):

Labcorp Genetics (formerly Invitae), Labcorp
Classification: Uncertain significance for Hereditary breast ovarian cancer syndrome. Last evaluated: 2026-01-06. Review status: criteria provided, single submitter. Criteria: Invitae Variant Classification Sherloc (09022015). Collection method: clinical testing. Allele origin: germline.
Comment: This sequence change replaces phenylalanine, which is neutral and non-polar, with leucine, which is neutral and non-polar, at codon 461 of the BRCA1 protein (p.Phe461Leu). This variant is present in population databases (rs62625300, gnomAD 0.003%). This missense change has been observed in individual(s) with prostate cancer and breast cancer (PMID: 9609997, 19638463). ClinVar contains an entry for this variant (Variation ID: 54227). Invitae Evidence Modeling of protein sequence and biophysical properties (such as structural, functional, and spatial information, amino acid conservation, physicochemical variation, residue mobility, and thermodynamic stability) indicates that this missense variant is expected to disrupt BRCA1 protein function with a positive predictive value of 80%. In summary, the available evidence is currently insufficient to determine the role of this variant in disease. Therefore, it has been classified as a Variant of Uncertain Significance.

Ambry Genetics
Classification: Uncertain significance for Hereditary cancer-predisposing syndrome. Last evaluated: 2025-11-24. Review status: criteria provided, single submitter. Criteria: Ambry Variant Classification Scheme 2023. Collection method: clinical testing. Allele origin: germline.
Comment: The p.F461L variant (also known as c.1381T>C), located in coding exon 9 of the BRCA1 gene, results from a T to C substitution at nucleotide position 1381. The phenylalanine at codon 461 is replaced by leucine, an amino acid with highly similar properties. This amino acid position is highly conserved in available vertebrate species. In addition, this alteration is predicted to be deleterious by in silico analysis. Based on the available evidence, the clinical significance of this variant remains unclear.

Color Diagnostics, LLC DBA Color Health
Classification: Likely benign for Hereditary cancer-predisposing syndrome. Last evaluated: 2025-10-15. Review status: criteria provided, single submitter. Criteria: ACMG Guidelines, 2015. Collection method: clinical testing. Allele origin: germline.

All of Us Research Program, National Institutes of Health
Classification: Uncertain significance for Breast-ovarian cancer, familial, susceptibility to, 1. Last evaluated: 2023-10-02. Review status: criteria provided, single submitter. Criteria: ACMG Guidelines, 2015. Collection method: clinical testing. Allele origin: germline. Inheritance: Autosomal dominant inheritance. Observed: 2 variant alleles, 2 heterozygotes.
Comment: This variant replaces phenylalanine with leucine at codon 461 in the BRCA1 protein. Computational prediction suggests that this variant may have deleterious impact on protein structure and function (internally defined REVEL score threshold >= 0.7, PMID: 27666373). To our knowledge, functional studies have not been reported for this variant. This variant has been reported in an individual affected with breast cancer (PMID: 9609997) and in a suspected hereditary breast and ovarian cancer family (PMID: 22476429). This variant also has been reported in an individual affected with prostate cancer (PMID: 19638463). This variant has been identified in 1/251080 chromosomes in the general population by the Genome Aggregation Database (gnomAD). The available evidence is insufficient to determine the role of this variant in disease conclusively. Therefore, this variant is classified as a Variant of Uncertain Significance.

This study involves interpretation of variants in research participants for the purpose of population health screening. Participant phenotype was not available at the time of variant classification. Additional details can be found in publication PMID: 35346344, PMCID: PMC8962531

University of Washington Department of Laboratory Medicine, University of Washington
Classification: Likely benign for Hereditary cancer-predisposing syndrome. Last evaluated: 2023-03-23. Review status: criteria provided, single submitter. Criteria: Dines et al. (Genet Med. 2020). Collection method: curation. Allele origin: germline.
Comment: Missense variant in a coldspot region where missense variants are very unlikely to be pathogenic (PMID:31911673).

BRCA1 coldspot (exon 11 using historical exon numbering). Reclassification based on statistical prior probability

Blueprint Genetics
Classification: Uncertain significance. Last evaluated: 2021-10-13. Review status: criteria provided, single submitter. Criteria: ACMG Guidelines, 2015. Collection method: clinical testing. Allele origin: germline.

GeneDx
Classification: Uncertain significance. Last evaluated: 2019-08-30. Review status: criteria provided, single submitter. Criteria: GeneDx Variant Classification Process June 2021. Collection method: clinical testing. Allele origin: germline. Affected: yes.
Comment: Not observed at a significant frequency in large population cohorts (Lek 2016); In silico analysis, which includes protein predictors and evolutionary conservation, supports a deleterious effect; Also known as BRCA1 1500T>C; This variant is associated with the following publications: (PMID: 25637381, 9609997, 15235020, 16267036, 19638463, 12531920, 16518693, 10923033, 15001988, 33087888)

Quest Diagnostics Nichols Institute San Juan Capistrano
Classification: Uncertain significance. Last evaluated: 2019-03-26. Review status: criteria provided, single submitter. Criteria: Quest Diagnostics criteria. Collection method: clinical testing. Allele origin: germline.

Fulgent Genetics
Classification: Uncertain significance for Familial cancer of breast; Breast-ovarian cancer, familial, susceptibility to, 1; Pancreatic cancer, susceptibility to, 4; Fanconi anemia, complementation group S. Last evaluated: 2018-10-31. Review status: criteria provided, single submitter. Criteria: ACMG Guidelines, 2015. Collection method: clinical testing. Allele origin: unknown.

PreventionGenetics, part of Exact Sciences
Classification: Uncertain significance. Last evaluated: 2017-12-01. Review status: criteria provided, single submitter. Criteria: ACMG Guidelines, 2015. Collection method: clinical testing. Allele origin: germline.

CSER _CC_NCGL, University of Washington
Classification: Uncertain significance for Breast cancer. Last evaluated: 2014-06-01. Review status: no assertion criteria provided. Collection method: research. Allele origin: germline. Inheritance: Autosomal dominant inheritance. Study: ESP 6500 variant annotation. Not counted in ClinVar's aggregate classification.
Comment: Variants classified for the Actionable exomic incidental findings in 6503 participants: challenges of variant classification manuscript

Breast Cancer Information Core (BIC) (BRCA1)
Classification: Uncertain significance for Breast-ovarian cancer, familial 1. Last evaluated: 2002-05-29. Review status: no assertion criteria provided. Collection method: clinical testing. Allele origin: germline. Affected: yes. Observed: 4 variant alleles. Not counted in ClinVar's aggregate classification.

Department of Pathology and Laboratory Medicine, Sinai Health System
Classification: Uncertain significance. Review status: no assertion criteria provided. Collection method: clinical testing. Allele origin: unknown. Affected: yes. Study: The Canadian Open Genetics Repository (COGR). Not counted in ClinVar's aggregate classification.
Comment: The BRCA1 p.F461L variant was reported in the literature in an individual with breast cancer and two individuals with prostate cancer (Katagiri_1998_PMID: 9609997, Pugh_2009_PMID: 19638463). The variant was identified in dbSNP (ID: rs62625300) and ClinVar (classified as uncertain significance by Invitae, Ambry Genetics, GeneDx and six other submitters). The variant was identified in control databases in 1 of 251080 chromosomes at a frequency of 0.000003983 (Genome Aggregation Database March 6, 2019, v2.1.1). The p.F461 residue is conserved in mammals and computational analyses (MUT Assesor, PolyPhen-2, SIFT, MutationTaster, Revel, FATHMM, MetaLR, DANN) suggest that the variant may impact the protein; however, this information is not predictive enough to assume pathogenicity. The variant occurs outside of the splicing consensus sequence and in silico or computational prediction software programs (Splice AI exome) do not predict a deleterious effect on splicing. In summary, based on the above information the clinical significance of this variant cannot be determined with certainty at this time. This variant is classified as a variant of uncertain significance.

Literature cited by the submitters: PubMed 9609997 (cited by 3 submitters); PubMed 19638463 (cited by 3 submitters); PubMed 12531920 (cited by Ambry Genetics and Quest Diagnostics Nichols Institute San Juan Capistrano); PubMed 15235020 (cited by Ambry Genetics and Quest Diagnostics Nichols Institute San Juan Capistrano); PubMed 16518693 (cited by Ambry Genetics and Quest Diagnostics Nichols Institute San Juan Capistrano); PubMed 25637381 (cited by Ambry Genetics and Quest Diagnostics Nichols Institute San Juan Capistrano); PubMed 22476429 (cited by All of Us Research Program, National Institutes of Health); PubMed 15001988 (cited by Quest Diagnostics Nichols Institute San Juan Capistrano); PubMed 16267036 (cited by Quest Diagnostics Nichols Institute San Juan Capistrano); PubMed 23704879 (cited by Quest Diagnostics Nichols Institute San Juan Capistrano).

NM_007294.4(BRCA1):c.1381T>C (p.Phe461Leu)

Gene: BRCA1 (BRCA1 DNA repair associated; minus strand). Cytogenetic location: 17q21.31.
Variant type: single nucleotide variant.
Coding change: c.1381T>C on transcript NM_007294.4 (MANE Select); coding-DNA position 1381, T replaced by C.
Protein change: p.Phe461Leu; replaces phenylalanine 461 with leucine.
Molecular consequence: missense variant. On other transcripts: intron variant (137).
Genome position (GRCh38, 1-based): chr17:43,094,150, A>G on the plus strand (T>C on the coding strand, the complement: BRCA1 is on the minus strand). VCF-style: chr17-43094150-A-G. GRCh37 (hg19) VCF-style: chr17-41246167-A-G.
Other names: c.1381T>C, p.Phe461Leu (NM_001407641.1, NM_001407642.1, NM_001407652.1 and 30 more transcripts); c.1378T>C, p.Phe460Leu (NM_001407644.1, NM_001407645.1, NM_001407860.1 and 22 more transcripts); c.1372T>C, p.Phe458Leu (NM_001407646.1, NM_001407647.1); c.1258T>C, p.Phe420Leu (NM_001407648.1, NM_001407664.1, NM_001407665.1 and 19 more transcripts); c.1255T>C, p.Phe419Leu (NM_001407649.1, NM_001407670.1, NM_001407671.1 and 11 more transcripts); c.1303T>C, p.Phe435Leu (NM_001407653.1, NM_001407654.1, NM_001407655.1 and 4 more transcripts); c.1300T>C, p.Phe434Leu (NM_001407659.1, NM_001407660.1, NM_001407661.1 and 1 more transcripts); c.1240T>C, p.Phe414Leu (NM_001407692.1, NM_001407694.1, NM_001407695.1 and 29 more transcripts); and 40 more; short protein forms F461L, F414L, F349L, F413L, F419L, F333L, F334L, F391L.
Identifiers: ClinVar variation 54227 (VCV000054227.32), dbSNP rs62625300, ClinGen allele CA000918.
Genomic context (GRCh38, chr17:43,094,150, plus strand): 5'-GATTTTCAGTTACATGGCTTAAGTTGGGGAGGCTTGCCTTCTTCCGATAGGTTTTCCCAA[A>G]TATTTTGTCTTCAATATTACTCTCTACTGATTTGGAGTGAACTCTTTCACTTTTACATAT-3'
Protein context (NP_009225.1, residues 451-471): SVESNIEDKI[Phe461Leu]GKTYRKKASL